The following is an entry in ClinVar:

ClinVar aggregate classification (germline): Pathogenic (1 of 4 stars; one submission).

Conditions:
Familial intrahepatic cholestasis. Identifiers: Orphanet 284385, MedGen CN296401, MONDO:0017290.

Submission:

Genomenon, Inc
Classification: Pathogenic for Familial intrahepatic cholestasis. Last evaluated: 2026-04-14. Review status: criteria provided, single submitter. Criteria: Genomenon Sequence Variant Interpretation Standards - Updated. Collection method: curation. Allele origin: germline. Affected: yes.
Comment: ATP8B1 c.1429+1G>A is a canonical splice variant affecting the donor splice site of intron 13. This variant has been observed in at least one proband with features of ATP8B1-deficiency (PMID:12149765;20038848;19479804). At least one splicing study demonstrated this variant results in aberrant splicing (PMID:25421123). It is absent or not present at a significant frequency in gnomAD. In conclusion, we classify ATP8B1 c.1429+1G>A as a pathogenic variant.

Literature cited by the submitters: PubMed 12149765; PubMed 20038848; PubMed 19479804; PubMed 25421123.

NM_001374385.1(ATP8B1):c.1429+1G>A

Gene: ATP8B1 (ATPase phospholipid transporting 8B1; minus strand). Cytogenetic location: 18q21.31.
Variant type: single nucleotide variant.
Coding change: c.1429+1G>A on transcript NM_001374385.1 (MANE Select); the canonical splice donor site of the intron after coding-DNA position 1429, G replaced by A.
Molecular consequence: splice donor variant.
Genome position (GRCh38, 1-based): chr18:57,688,298, C>T on the plus strand (G>A on the coding strand, the complement: ATP8B1 is on the minus strand). VCF-style: chr18-57688298-C-T. GRCh37 (hg19) VCF-style: chr18-55355530-C-T.
Other names: c.1429+1G>A (NM_005603.6); c.1279+1G>A (NM_001374386.1).
Identifiers: ClinVar variation 4846514 (VCV004846514.1).